The following is an entry in ClinVar:

NM_005297.4(MCHR1):c.-95C>T

Gene: MCHR1 (melanin concentrating hormone receptor 1; plus strand). Cytogenetic location: 22q13.2.
Variant type: single nucleotide variant.
Coding change: c.-95C>T on transcript NM_005297.4 (MANE Select); 95 bases upstream of the start codon, C replaced by T.
Molecular consequence: 5 prime UTR variant.
Genome position (GRCh38, 1-based): chr22:40,679,558, C>T. VCF-style: chr22-40679558-C-T. GRCh37 (hg19) VCF-style: chr22-41075562-C-T.
Identifiers: ClinVar variation 3032786 (VCV003032786.3), dbSNP rs150069806, ClinGen allele CA10250102.
Genomic context (GRCh38, chr22:40,679,558, plus strand): 5'-GCGGCAGCGGCTGCCAGGCTACGGAGGAAGACCCCCTTCCCAACTGCGGGGCTTGCGCTC[C>T]GGGACAAGGTGGCAGGCGCTGGAGGCTGCCGCAGCCTGCGTGGGTGGAGGGGAGCTCAGC-3'

ClinVar aggregate classification (germline): Uncertain significance. Review status: criteria provided, single submitter (1 of 4 stars). 2 submissions from 2 submitters: Uncertain significance (1). 1 of the submissions does not count toward it. Last evaluated 2025-08-10.

Conditions:
MCHR1-related disorder. Also called: MCHR1-related condition.

Allele frequency attached by ClinVar (database versions not stated): gnomAD exomes 0.00002; TOPMed 0.00002; gnomAD 0.00003; ExAC 0.00007; ESP Exome Variant Server 0.00015; 1000 Genomes Project 0.00040; 1000 Genomes Project 30x 0.00062.
gnomAD v4.1: 33 of 1,613,716 alleles (0.002%); highest among the groups gnomAD compares: South Asian, 0.0099%; no homozygotes.

Submissions (2):

Ambry Genetics
Classification: Uncertain significance. Last evaluated: 2025-08-10. Review status: criteria provided, single submitter. Criteria: Ambry Variant Classification Scheme 2023. Collection method: clinical testing. Allele origin: germline.

PreventionGenetics, part of Exact Sciences
Classification: Uncertain significance for MCHR1-related condition. Last evaluated: 2024-01-10. Review status: no assertion criteria provided. Collection method: clinical testing. Allele origin: germline. Not counted in ClinVar's aggregate classification.
Comment: The MCHR1 c.113C>T variant is predicted to result in the amino acid substitution p.Pro38Leu. To our knowledge, this variant has not been reported in the literature. This variant is reported in 0.011% of alleles in individuals of East Asian descent in gnomAD. At this time, the clinical significance of this variant is uncertain due to the absence of conclusive functional and genetic evidence.